The following is an entry in ClinVar:

NM_000075.4(CDK4):c.852C>A (p.Ile284=)

Genes: CDK4 (cyclin dependent kinase 4; minus strand), TSPAN31 (tetraspanin 31; plus strand). Cytogenetic location: 12q14.1.
Variant type: single nucleotide variant.
Coding change: c.852C>A on transcript NM_000075.4 (MANE Select); coding-DNA position 852, C replaced by A.
Protein change: p.Ile284=; no amino-acid change (isoleucine 284 retained).
Molecular consequence: synonymous variant. On other transcripts: 3 prime UTR variant (3).
Genome position (GRCh38, 1-based): chr12:57,748,585, G>T on the plus strand (C>A on the coding strand, the complement: CDK4 is on the minus strand). VCF-style: chr12-57748585-G-T. GRCh37 (hg19) VCF-style: chr12-58142368-G-T.
Other names: c.*1295G>T (NM_001330168.2, NM_001330169.2, NM_005981.5).
Identifiers: ClinVar variation 2452466 (VCV002452466.4), dbSNP rs2140381174, ClinGen allele CA480299588.

ClinVar aggregate classification (germline): Benign/Likely benign. Review status: criteria provided, multiple submitters, no conflicts (2 of 4 stars). 3 submissions from 3 submitters: Benign (1); Likely benign (2). Last evaluated 2026-01-26.

Conditions:
Melanoma, cutaneous malignant, susceptibility to, 3. Also called: Cutaneous malignant melanoma 3. Identifiers: Orphanet 618, MedGen C1836892, MONDO:0012183, OMIM 609048.
Hereditary cancer-predisposing syndrome. Also called: Neoplastic Syndromes, Hereditary; Tumor predisposition; Hereditary neoplastic syndrome; Hereditary Cancer Syndrome. Identifiers: Orphanet 140162, MedGen C0027672, MeSH D009386, MONDO:0015356.
Familial melanoma. Also called: Hereditary melanoma; Hereditary cutaneous melanoma. Identifiers: Orphanet 618, MedGen C1512419, MONDO:0018961.

Submissions (3):

Labcorp Genetics (formerly Invitae), Labcorp
Classification: Likely benign for Familial melanoma. Last evaluated: 2026-01-26. Review status: criteria provided, single submitter. Criteria: Invitae Variant Classification Sherloc (09022015). Collection method: clinical testing. Allele origin: germline.

Myriad Genetics, Inc.
Classification: Benign for Melanoma, cutaneous malignant, susceptibility to, 3. Last evaluated: 2024-09-27. Review status: criteria provided, single submitter. Criteria: Myriad Autosomal Dominant, Autosomal Recessive and X-Linked Classification Criteria (2023). Collection method: clinical testing. Allele origin: unknown.
Comment: This variant is considered benign. This variant is a silent/synonymous amino acid change and it is not expected to impact splicing.

Ambry Genetics
Classification: Likely benign for Hereditary cancer-predisposing syndrome. Last evaluated: 2022-11-06. Review status: criteria provided, single submitter. Criteria: Ambry Variant Classification Scheme 2023. Collection method: clinical testing. Allele origin: germline.